The following is an entry in ClinVar:

ClinVar aggregate classification (germline): Uncertain significance (1 of 4 stars; one submission).

Conditions:
Inborn genetic diseases. Identifiers: MedGen C0950123, MeSH D030342.

Submission:

Ambry Genetics
Classification: Uncertain significance for Inborn genetic diseases. Last evaluated: 2025-10-23. Review status: criteria provided, single submitter. Criteria: Ambry Variant Classification Scheme 2023. Collection method: clinical testing. Allele origin: germline.
Comment: The p.G59R variant (also known as c.175G>C), located in coding exon 3 of the RUNX1 gene, results from a G to C substitution at nucleotide position 175. The glycine at codon 59 is replaced by arginine, an amino acid with dissimilar properties. This amino acid position is conserved. In addition, the in silico prediction for this alteration is inconclusive. Based on the available evidence, the clinical significance of this variant remains unclear.

NM_001754.5(RUNX1):c.175G>C (p.Gly59Arg)

Gene: RUNX1 (RUNX family transcription factor 1; minus strand). Cytogenetic location: 21q22.12.
Variant type: single nucleotide variant.
Coding change: c.175G>C on transcript NM_001754.5 (MANE Select); coding-DNA position 175, G replaced by C.
Protein change: p.Gly59Arg; replaces glycine 59 with arginine.
Molecular consequence: missense variant.
Genome position (GRCh38, 1-based): chr21:34,887,019, C>G on the plus strand (G>C on the coding strand, the complement: RUNX1 is on the minus strand). VCF-style: chr21-34887019-C-G. GRCh37 (hg19) VCF-style: chr21-36259316-C-G.
Other names: c.94G>C, p.Gly32Arg (NM_001001890.3, NM_001122607.2); short protein forms G32R, G59R.
Identifiers: ClinVar variation 4629703 (VCV004629703.1).